The following is an entry in ClinVar:

NM_022089.4(ATP13A2):c.2260C>G (p.Leu754Val)

Gene: ATP13A2 (ATPase cation transporting 13A2; minus strand). Cytogenetic location: 1p36.13.
Variant type: single nucleotide variant.
Coding change: c.2260C>G on transcript NM_022089.4 (MANE Select); coding-DNA position 2260, C replaced by G.
Protein change: p.Leu754Val; replaces leucine 754 with valine.
Molecular consequence: missense variant.
Genome position (GRCh38, 1-based): chr1:16,990,279, G>C on the plus strand (C>G on the coding strand, the complement: ATP13A2 is on the minus strand). VCF-style: chr1-16990279-G-C. GRCh37 (hg19) VCF-style: chr1-17316774-G-C.
Other names: c.2245C>G, p.Leu749Val (NM_001141973.3, NM_001141974.3); short protein forms L754V, L749V.
Identifiers: ClinVar variation 566479 (VCV000566479.7), dbSNP rs139909551, ClinGen allele CA636894.

ClinVar aggregate classification (germline): Uncertain significance. Review status: criteria provided, multiple submitters, no conflicts (2 of 4 stars). 3 submissions from 3 submitters: Uncertain significance (3). Last evaluated 2025-05-20.

Conditions:
Kufor-Rakeb syndrome (KRS). Also called: PARKINSON DISEASE 9, AUTOSOMAL RECESSIVE, JUVENILE-ONSET. Identifiers: Orphanet 306674, Orphanet 314632, MedGen C1847640, MONDO:0011706, OMIM 606693.
Autosomal recessive spastic paraplegia type 78. Identifiers: Orphanet 513436, MedGen C5567893, MONDO:0014975, OMIM 617225.
Inborn genetic diseases. Identifiers: MedGen C0950123, MeSH D030342.

Allele frequency attached by ClinVar (database versions not stated): gnomAD exomes 0.00002; ExAC 0.00003; gnomAD 0.00004 and 0.00005; TOPMed 0.00006; ESP Exome Variant Server 0.00015.
gnomAD v4.1: 51 of 1,613,926 alleles (0.0032%); highest among the groups gnomAD compares: African/African-American, 0.0067%; no homozygotes.

Submissions (3):

GeneDx
Classification: Uncertain significance. Last evaluated: 2025-05-20. Review status: criteria provided, single submitter. Criteria: GeneDx Variant Classification Process June 2021. Collection method: clinical testing. Allele origin: germline. Affected: yes.
Comment: Not observed at significant frequency in large population cohorts (gnomAD); In silico analysis suggests that this missense variant does not alter protein structure/function; Has not been previously published as pathogenic or benign to our knowledge

Ambry Genetics
Classification: Uncertain significance for Inborn genetic diseases. Last evaluated: 2025-01-22. Review status: criteria provided, single submitter. Criteria: Ambry Variant Classification Scheme 2023. Collection method: clinical testing. Allele origin: germline.

Labcorp Genetics (formerly Invitae), Labcorp
Classification: Uncertain significance for Kufor-Rakeb syndrome; Autosomal recessive spastic paraplegia type 78. Last evaluated: 2022-05-12. Review status: criteria provided, single submitter. Criteria: Invitae Variant Classification Sherloc (09022015). Collection method: clinical testing. Allele origin: germline.
Comment: This sequence change replaces leucine, which is neutral and non-polar, with valine, which is neutral and non-polar, at codon 754 of the ATP13A2 protein (p.Leu754Val). This variant is present in population databases (rs139909551, gnomAD 0.01%). This variant has not been reported in the literature in individuals affected with ATP13A2-related conditions. ClinVar contains an entry for this variant (Variation ID: 566479). Advanced modeling of protein sequence and biophysical properties (such as structural, functional, and spatial information, amino acid conservation, physicochemical variation, residue mobility, and thermodynamic stability) performed at Invitae indicates that this missense variant is not expected to disrupt ATP13A2 protein function. In summary, the available evidence is currently insufficient to determine the role of this variant in disease. Therefore, it has been classified as a Variant of Uncertain Significance.